The following is an entry in ClinVar:

ClinVar aggregate classification (germline): Uncertain significance (1 of 4 stars; one submission).

Conditions:
Familial cold autoinflammatory syndrome 2 (FCAS2). Identifiers: Orphanet 247868, MedGen C2673198, MONDO:0012724, OMIM 611762.

Allele frequency attached by ClinVar (database versions not stated): gnomAD 0.00001; ExAC 0.00002; gnomAD exomes 0.00002; 1000 Genomes Project 30x 0.00016; 1000 Genomes Project 0.00020.
gnomAD v4.1: 9 of 1,613,870 alleles (0.00056%); highest among the groups gnomAD compares: Non-Finnish European, 0.00076%; no homozygotes.

Submission:

Labcorp Genetics (formerly Invitae), Labcorp
Classification: Uncertain significance for Familial cold autoinflammatory syndrome 2. Last evaluated: 2021-12-03. Review status: criteria provided, single submitter. Criteria: Invitae Variant Classification Sherloc (09022015). Collection method: clinical testing. Allele origin: germline.
Comment: This sequence change replaces glycine, which is neutral and non-polar, with valine, which is neutral and non-polar, at codon 907 of the NLRP12 protein (p.Gly907Val). This variant is present in population databases (rs200511925, gnomAD 0.003%). This variant has not been reported in the literature in individuals affected with NLRP12-related conditions. Algorithms developed to predict the effect of missense changes on protein structure and function are either unavailable or do not agree on the potential impact of this missense change (SIFT: "Deleterious"; PolyPhen-2: "Probably Damaging"; Align-GVGD: "Class C0"). In summary, the available evidence is currently insufficient to determine the role of this variant in disease. Therefore, it has been classified as a Variant of Uncertain Significance.

NM_144687.4(NLRP12):c.2720G>T (p.Gly907Val)

Gene: NLRP12 (NLR family pyrin domain containing 12; minus strand). Cytogenetic location: 19q13.42.
Variant type: single nucleotide variant.
Coding change: c.2720G>T on transcript NM_144687.4 (MANE Select); coding-DNA position 2720, G replaced by T.
Protein change: p.Gly907Val; replaces glycine 907 with valine.
Molecular consequence: missense variant.
Genome position (GRCh38, 1-based): chr19:53,801,263, C>A on the plus strand (G>T on the coding strand, the complement: NLRP12 is on the minus strand). VCF-style: chr19-53801263-C-A. GRCh37 (hg19) VCF-style: chr19-54304517-C-A.
Other names: c.2723G>T, p.Gly908Val (NM_001277126.2); c.2720G>T, p.Gly907Val (NM_001277129.1); short protein forms G908V, G907V.
Identifiers: ClinVar variation 1387674 (VCV001387674.6), dbSNP rs200511925, ClinGen allele CA9638952.